The following is an entry in ClinVar:

NM_000414.4(HSD17B4):c.*260A>G

Gene: HSD17B4 (hydroxysteroid 17-beta dehydrogenase 4; plus strand). Cytogenetic location: 5q23.1.
Variant type: single nucleotide variant.
Coding change: c.*260A>G on transcript NM_000414.4 (MANE Select); 260 bases downstream of the stop codon, A replaced by G.
Molecular consequence: 3 prime UTR variant.
Genome position (GRCh38, 1-based): chr5:119,542,254, A>G. VCF-style: chr5-119542254-A-G. GRCh37 (hg19) VCF-style: chr5-118877949-A-G.
Other names: c.*260A>G (NM_001199291.3, NM_001199292.2, NM_001292027.2 and 1 more transcripts).
Identifiers: ClinVar variation 350476 (VCV000350476.6), dbSNP rs28943596, ClinGen allele CA10622300.

ClinVar aggregate classification (germline): Benign. Review status: criteria provided, multiple submitters, no conflicts (2 of 4 stars). 3 submissions from 2 submitters: Benign (3). Last evaluated 2018-09-26.

Conditions:
Bifunctional peroxisomal enzyme deficiency (DBIF). Also called: DBP DEFICIENCY; PBFE DEFICIENCY; D-bifunctional protein deficiency. Identifiers: Orphanet 300, MedGen C0342870, MONDO:0009855, OMIM 261515. Disease mechanism: loss of function.
Perrault syndrome 1 (PRLTS1). Also called: GONADAL DYSGENESIS, XX TYPE, WITH DEAFNESS; OVARIAN DYSGENESIS WITH SENSORINEURAL DEAFNESS. Identifiers: Orphanet 2855, Orphanet 642945, MedGen C4551721, MONDO:0009300, OMIM 233400.

Allele frequency attached by ClinVar (database versions not stated): 1000 Genomes Project 0.03415; 1000 Genomes Project 30x 0.03560; TOPMed 0.05212; gnomAD 0.05328 and 0.05395; gnomAD exomes 0.06324.

Submissions (3):

GeneDx
Classification: Benign. Last evaluated: 2018-09-26. Review status: criteria provided, single submitter. Criteria: GeneDx Variant Classification Process June 2021. Collection method: clinical testing. Allele origin: germline. Affected: yes.

Illumina Laboratory Services, Illumina
Classification: Benign for Bifunctional peroxisomal enzyme deficiency. Last evaluated: 2018-01-13. Review status: criteria provided, single submitter. Criteria: ICSL Variant Classification Criteria 13 December 2019. Collection method: clinical testing. Allele origin: germline.
Comment: This variant was observed in the ICSL laboratory as part of a predisposition screen in an ostensibly healthy population. It had not been previously curated by ICSL or reported in the Human Gene Mutation Database (HGMD: prior to June 1st, 2018), and was therefore a candidate for classification through an automated scoring system. Utilizing variant allele frequency, disease prevalence and penetrance estimates, and inheritance mode, an automated score was calculated to assess if this variant is too frequent to cause the disease. Based on the score and internal cut-off values, a variant classified as benign is not then subjected to further curation. The score for this variant resulted in a classification of benign for this disease.

Illumina Laboratory Services, Illumina
Classification: Benign for Perrault syndrome 1. Last evaluated: 2018-01-13. Review status: criteria provided, single submitter. Criteria: ICSL Variant Classification Criteria 13 December 2019. Collection method: clinical testing. Allele origin: germline.
Comment: the same text as in the submission from Illumina Laboratory Services, Illumina above.